The following is an entry in ClinVar:

ClinVar aggregate classification (germline): Uncertain significance (1 of 4 stars; one submission).

Allele frequency attached by ClinVar (database versions not stated): ExAC 0.00005; TOPMed 0.00005; gnomAD 0.00006; ESP Exome Variant Server 0.00008.
gnomAD v4.1: 117 of 1,613,988 alleles (0.0072%); highest among the groups gnomAD compares: Middle Eastern, 0.033%; no homozygotes.

Submission:

Labcorp Genetics (formerly Invitae), Labcorp
Classification: Uncertain significance. Last evaluated: 2024-02-20. Review status: criteria provided, single submitter. Criteria: Invitae Variant Classification Sherloc (09022015). Collection method: clinical testing. Allele origin: germline.
Comment: This sequence change replaces alanine, which is neutral and non-polar, with threonine, which is neutral and polar, at codon 572 of the SCNN1B protein (p.Ala572Thr). This variant is present in population databases (rs377601796, gnomAD 0.05%). This variant has not been reported in the literature in individuals affected with SCNN1B-related conditions. ClinVar contains an entry for this variant (Variation ID: 2188599). Algorithms developed to predict the effect of missense changes on protein structure and function output the following: SIFT: "Not Available"; PolyPhen-2: "Benign"; Align-GVGD: "Not Available". The threonine amino acid residue is found in multiple mammalian species, which suggests that this missense change does not adversely affect protein function. In summary, the available evidence is currently insufficient to determine the role of this variant in disease. Therefore, it has been classified as a Variant of Uncertain Significance.

NM_000336.3(SCNN1B):c.1714G>A (p.Ala572Thr)

Gene: SCNN1B (sodium channel epithelial 1 subunit beta; plus strand). Cytogenetic location: 16p12.2.
Variant type: single nucleotide variant.
Coding change: c.1714G>A on transcript NM_000336.3 (MANE Select); coding-DNA position 1714, G replaced by A.
Protein change: p.Ala572Thr; replaces alanine 572 with threonine.
Molecular consequence: missense variant.
Genome position (GRCh38, 1-based): chr16:23,380,592, G>A. VCF-style: chr16-23380592-G-A. GRCh37 (hg19) VCF-style: chr16-23391913-G-A.
Other names: c.1606G>A, p.Ala536Thr (NM_001410900.1); short protein forms A572T, A536T.
Identifiers: ClinVar variation 2188599 (VCV002188599.4), dbSNP rs377601796, ClinGen allele CA7960618.